The following is an entry in ClinVar:

ClinVar aggregate classification (germline): Uncertain significance (1 of 4 stars; one submission).

gnomAD v4.1: 1 of 1,611,954 alleles (0.000062%); highest among the groups gnomAD compares: Non-Finnish European, 0.000085%; no homozygotes.

Submission:

Labcorp Genetics (formerly Invitae), Labcorp
Classification: Uncertain significance. Last evaluated: 2025-10-28. Review status: criteria provided, single submitter. Criteria: Invitae Variant Classification Sherloc (09022015). Collection method: clinical testing. Allele origin: germline.
Comment: This sequence change replaces aspartic acid, which is acidic and polar, with glycine, which is neutral and non-polar, at codon 842 of the CACNA1D protein (p.Asp842Gly). This variant is not present in population databases (gnomAD no frequency). This variant has not been reported in the literature in individuals affected with CACNA1D-related conditions. An algorithm developed to predict the effect of missense changes on protein structure and function (PolyPhen-2) suggests that this variant is likely to be tolerated. In summary, the available evidence is currently insufficient to determine the role of this variant in disease. Therefore, it has been classified as a Variant of Uncertain Significance.

NM_001128840.3(CACNA1D):c.2465A>G (p.Asp822Gly)

Gene: CACNA1D (calcium voltage-gated channel subunit alpha1 D; plus strand). Cytogenetic location: 3p21.1.
Variant type: single nucleotide variant.
Coding change: c.2465A>G on transcript NM_001128840.3 (MANE Select); coding-DNA position 2465, A replaced by G.
Protein change: p.Asp822Gly; replaces aspartic acid 822 with glycine.
Molecular consequence: missense variant.
Genome position (GRCh38, 1-based): chr3:53,732,074, A>G. VCF-style: chr3-53732074-A-G. GRCh37 (hg19) VCF-style: chr3-53766101-A-G.
Other names: c.2525A>G, p.Asp842Gly (NM_000720.4); c.2465A>G, p.Asp822Gly (NM_001128839.3); short protein forms D822G, D842G.
Identifiers: ClinVar variation 4729305 (VCV004729305.1).